The following is an entry in ClinVar:

NM_003489.4(NRIP1):c.2221C>A (p.His741Asn)

Gene: NRIP1 (nuclear receptor interacting protein 1; minus strand). Cytogenetic location: 21q11.2.
Variant type: single nucleotide variant.
Coding change: c.2221C>A on transcript NM_003489.4 (MANE Select); coding-DNA position 2221, C replaced by A.
Protein change: p.His741Asn; replaces histidine 741 with asparagine.
Molecular consequence: missense variant.
Genome position (GRCh38, 1-based): chr21:14,965,972, G>T on the plus strand (C>A on the coding strand, the complement: NRIP1 is on the minus strand). VCF-style: chr21-14965972-G-T. GRCh37 (hg19) VCF-style: chr21-16338293-G-T.
Other names: short protein forms H741N.
Identifiers: ClinVar variation 3671491 (VCV003671491.2).

ClinVar aggregate classification (germline): Uncertain significance (1 of 4 stars; one submission).

gnomAD v4.1: 70 of 1,613,800 alleles (0.0043%); highest among the groups gnomAD compares: South Asian, 0.076%; no homozygotes.

Submission:

Labcorp Genetics (formerly Invitae), Labcorp
Classification: Uncertain significance. Last evaluated: 2024-05-19. Review status: criteria provided, single submitter. Criteria: Invitae Variant Classification Sherloc (09022015). Collection method: clinical testing. Allele origin: germline.
Comment: This sequence change replaces histidine, which is basic and polar, with asparagine, which is neutral and polar, at codon 741 of the NRIP1 protein (p.His741Asn). This variant is present in population databases (rs753684835, gnomAD 0.04%). This variant has not been reported in the literature in individuals affected with NRIP1-related conditions. An algorithm developed to predict the effect of missense changes on protein structure and function (PolyPhen-2) suggests that this variant is likely to be tolerated. In summary, the available evidence is currently insufficient to determine the role of this variant in disease. Therefore, it has been classified as a Variant of Uncertain Significance.